The following is an entry in ClinVar:

NM_004333.6(BRAF):c.1332G>A (p.Arg444=)

Gene: BRAF (B-Raf proto-oncogene, serine/threonine kinase; minus strand). Cytogenetic location: 7q34.
Variant type: single nucleotide variant.
Coding change: c.1332G>A on transcript NM_004333.6 (MANE Select); coding-DNA position 1332, G replaced by A.
Protein change: p.Arg444=; no amino-acid change (arginine 444 retained).
Molecular consequence: synonymous variant.
Genome position (GRCh38, 1-based): chr7:140,781,676, C>T on the plus strand (G>A on the coding strand, the complement: BRAF is on the minus strand). VCF-style: chr7-140781676-C-T. GRCh37 (hg19) VCF-style: chr7-140481476-C-T.
Other names: p.R444R; NM_004333.4(BRAF):c.1332G>A; c.1332G>A, p.Arg444= (NM_001354609.2, NM_001378468.1, NM_001378474.1); c.1452G>A, p.Arg484= (NM_001374244.1, NM_001374258.1); c.1341G>A, p.Arg447= (NM_001378467.1); c.1266G>A, p.Arg422= (NM_001378469.1); c.1230G>A, p.Arg410= (NM_001378470.1); c.1221G>A, p.Arg407= (NM_001378471.1); and 2 more.
Identifiers: ClinVar variation 40362 (VCV000040362.57), dbSNP rs56101602, ClinGen allele CA135067.

ClinVar aggregate classification (germline): Benign. Review status: reviewed by expert panel (3 of 4 stars). 13 submissions from 13 submitters: Benign (1). 12 of the submissions do not count toward it. Last evaluated 2017-04-18.

Conditions:
Noonan syndrome and Noonan-related syndrome. Identifiers: Orphanet 98733, MedGen C5681679, MONDO:0020297.
Cardiovascular phenotype. Identifiers: MedGen CN230736.
RASopathy. Also called: rasopathies; Noonan spectrum disorder. Identifiers: Orphanet 536391, MedGen C5555857, MONDO:0021060.
LEOPARD syndrome 3 (LPRD3). Identifiers: Orphanet 500, MedGen C3150971, MONDO:0013380, OMIM 613707.

Allele frequency attached by ClinVar (database versions not stated): 1000 Genomes Project 30x 0.00016; gnomAD exomes 0.00100 and 0.00056; ExAC 0.00059; gnomAD 0.00068 and 0.00064; 1000 Genomes Project 0.00020; TOPMed 0.00074; ESP Exome Variant Server 0.00115.
gnomAD v4.1: 1,548 of 1,613,850 alleles (0.096%); highest among the groups gnomAD compares: Non-Finnish European, 0.12%; 1 homozygote.

Submissions (13):

ClinGen RASopathy Variant Curation Expert Panel
Classification: Benign for Noonan syndrome and Noonan-related syndrome. Last evaluated: 2017-04-18. Review status: reviewed by expert panel. Criteria: ClinGen RASopathy ACMG Specifications v1. Collection method: curation. Allele origin: germline. Inheritance: Autosomal dominant inheritance.
Comment: The filtering allele frequency of the c.1332G>A (p.Arg444=) variant in the BRAF gene is 0.077% (64/66708) of European chromosomes by the Exome Aggregation Consortium, which is a high enough frequency to be classified as benign based on thresholds defined by the ClinGen RASopathy Expert Panel (BA1; PMID:29493581)

CeGaT Center for Human Genetics Tuebingen
Classification: Likely benign. Last evaluated: 2026-07-01. Review status: criteria provided, single submitter. Criteria: CeGaT Center For Human Genetics Tuebingen Variant Classification Criteria Version 2. Collection method: clinical testing. Allele origin: germline. Affected: yes. Observed: 8 variant alleles. Not counted in ClinVar's aggregate classification.
Comment: BRAF: BP4, BP7, BS1

Labcorp Genetics (formerly Invitae), Labcorp
Classification: Benign for RASopathy. Last evaluated: 2026-01-27. Review status: criteria provided, single submitter. Criteria: Invitae Variant Classification Sherloc (09022015). Collection method: clinical testing. Allele origin: germline. Not counted in ClinVar's aggregate classification.

Laboratory of Genetics, Children's Clinical University Hospital Latvia
Classification: Likely benign. Last evaluated: 2025-02-16. Review status: criteria provided, single submitter. Criteria: ACMG Guidelines, 2015. Collection method: clinical testing. Allele origin: germline. Affected: yes. Not counted in ClinVar's aggregate classification.

Blueprint Genetics
Classification: Likely benign. Last evaluated: 2024-11-15. Review status: criteria provided, single submitter. Criteria: ACMG Guidelines, 2015. Collection method: clinical testing. Allele origin: germline. Not counted in ClinVar's aggregate classification.

ARUP Laboratories, Molecular Genetics and Genomics, ARUP Laboratories
Classification: Benign. Last evaluated: 2024-01-02. Review status: criteria provided, single submitter. Criteria: ARUP Molecular Germline Variant Investigation Process 2024. Collection method: clinical testing. Allele origin: germline. Not counted in ClinVar's aggregate classification.

Ambry Genetics
Classification: Benign for Cardiovascular phenotype. Last evaluated: 2021-12-30. Review status: criteria provided, single submitter. Criteria: Ambry Variant Classification Scheme 2023. Collection method: clinical testing. Allele origin: germline. Not counted in ClinVar's aggregate classification.

Genome Diagnostics Laboratory, The Hospital for Sick Children
Classification: Benign for Noonan syndrome and Noonan-related syndrome. Last evaluated: 2021-06-28. Review status: criteria provided, single submitter. Criteria: ACMG Guidelines, 2015. Collection method: clinical testing. Allele origin: germline. Not counted in ClinVar's aggregate classification.

Illumina Laboratory Services, Illumina
Classification: Benign for LEOPARD syndrome 3. Last evaluated: 2018-01-12. Review status: criteria provided, single submitter. Criteria: ICSL Variant Classification Criteria 13 December 2019. Collection method: clinical testing. Allele origin: germline. Not counted in ClinVar's aggregate classification.
Comment: This variant was observed in the ICSL laboratory as part of a predisposition screen in an ostensibly healthy population. It had not been previously curated by ICSL or reported in the Human Gene Mutation Database (HGMD: prior to June 1st, 2018), and was therefore a candidate for classification through an automated scoring system. Utilizing variant allele frequency, disease prevalence and penetrance estimates, and inheritance mode, an automated score was calculated to assess if this variant is too frequent to cause the disease. Based on the score and internal cut-off values, a variant classified as benign is not then subjected to further curation. The score for this variant resulted in a classification of benign for this disease.

Women's Health and Genetics/Laboratory Corporation of America, LabCorp
Classification: Benign. Last evaluated: 2017-02-06. Review status: criteria provided, single submitter. Criteria: LabCorp Variant Classification Summary - May 2015. Collection method: clinical testing. Allele origin: germline. Not counted in ClinVar's aggregate classification.
Comment: Variant summary: The BRAF c.1332G>A variant involves the alteration of non-conserved nucleotide, resulting in synonymous amino acid change. It is predicted to have no significant effect on splicing by 4/5 splice prediction tools. The variant is found in ExAC with an allele frequency of 0.00058 (71/121302 chromosomes), predominantly in European (Non-Finnish) subpopulation with an allele frequency of 0.00095 (64/66708 chromosomes). This frequency is about 384 times the estimated maximal allele frequency of a pathogenic variant in BRAF gene (2.5e10-6), strongly supporting that this is likely a benign variant found mainly in European (Non-Finnish) subpopulation. Multiple clinical laboratories/reputable databases have classified this variant as benign/likely benign. Taken together, this variant is classified as Benign.

GeneDx
Classification: Benign. Last evaluated: 2015-03-03. Review status: criteria provided, single submitter. Criteria: GeneDx Variant Classification Process June 2021. Collection method: clinical testing. Allele origin: germline. Affected: yes. Not counted in ClinVar's aggregate classification.

Eurofins Ntd Llc (ga)
Classification: Benign. Last evaluated: 2013-03-18. Review status: criteria provided, single submitter. Criteria: EGL Classification Definitions 2015. Collection method: clinical testing. Allele origin: germline. Observed: 1 variant allele, 1 heterozygote. Not counted in ClinVar's aggregate classification.

Laboratory for Molecular Medicine, Mass General Brigham Personalized Medicine
Classification: Benign. Last evaluated: 2012-10-16. Review status: criteria provided, single submitter. Criteria: LMM Criteria. Collection method: clinical testing. Allele origin: germline. Observed: 6 variant alleles. Not counted in ClinVar's aggregate classification.
Comment: Arg444Arg in exon 11 of BRAF: This variant is not expected to have clinical sign ificance because it does not alter an amino acid residue, is not located within the splice consensus sequence, and it has been identified in 0.16% (14/8600) of European American chromosomes from a broad population by the NHLBI Exome Sequenc ing Project (dbSNP rs56101602)

Literature cited by the submitters: PubMed 12960123 (cited by Laboratory for Molecular Medicine, Mass General Brigham Personalized Medicine); PubMed 15578519 (cited by Laboratory for Molecular Medicine, Mass General Brigham Personalized Medicine); PubMed 16619251 (cited by Laboratory for Molecular Medicine, Mass General Brigham Personalized Medicine).